The following is an entry in ClinVar:

ClinVar aggregate classification (germline): Uncertain significance. Review status: criteria provided, multiple submitters, no conflicts (2 of 4 stars). 2 submissions from 2 submitters: Uncertain significance (2). Last evaluated 2023-08-11.

Conditions:
Neurofibromatosis, type 1 (NF1). Also called: Neurofibromatosis, type I; NEUROFIBROMATOSIS, TYPE I, SOMATIC; VON RECKLINGHAUSEN DISEASE; Peripheral type neurofibromatosis. Identifiers: Orphanet 636, MedGen C0027831, MONDO:0018975, OMIM 162200. Disease mechanism: loss of function.

Allele frequency attached by ClinVar (database versions not stated): ExAC 0.00001; gnomAD exomes 0.00001.
gnomAD v4.1: 9 of 1,614,140 alleles (0.00056%); highest among the groups gnomAD compares: South Asian, 0.0099%; no homozygotes.

Submissions (2):

Labcorp Genetics (formerly Invitae), Labcorp
Classification: Uncertain significance for Neurofibromatosis, type 1. Last evaluated: 2023-08-11. Review status: criteria provided, single submitter. Criteria: Invitae Variant Classification Sherloc (09022015). Collection method: clinical testing. Allele origin: germline.
Comment: In summary, the available evidence is currently insufficient to determine the role of this variant in disease. Therefore, it has been classified as a Variant of Uncertain Significance. Advanced modeling of protein sequence and biophysical properties (such as structural, functional, and spatial information, amino acid conservation, physicochemical variation, residue mobility, and thermodynamic stability) has been performed at Invitae for this missense variant, however the output from this modeling did not meet the statistical confidence thresholds required to predict the impact of this variant on NF1 protein function. This variant has not been reported in the literature in individuals affected with NF1-related conditions. This variant is present in population databases (rs747241884, gnomAD 0.006%). This sequence change replaces glutamic acid, which is acidic and polar, with lysine, which is basic and polar, at codon 337 of the NF1 protein (p.Glu337Lys).

Blueprint Genetics
Classification: Uncertain significance. Last evaluated: 2020-06-22. Review status: criteria provided, single submitter. Criteria: ACMG Guidelines, 2015. Collection method: clinical testing. Allele origin: germline.

NM_001042492.3(NF1):c.1009G>A (p.Glu337Lys)

Gene: NF1 (neurofibromin 1; plus strand). Cytogenetic location: 17q11.2.
Variant type: single nucleotide variant.
Coding change: c.1009G>A on transcript NM_001042492.3 (MANE Select); coding-DNA position 1009, G replaced by A.
Protein change: p.Glu337Lys; replaces glutamic acid 337 with lysine.
Molecular consequence: missense variant.
Genome position (GRCh38, 1-based): chr17:31,200,542, G>A. VCF-style: chr17-31200542-G-A. GRCh37 (hg19) VCF-style: chr17-29527560-G-A.
Other names: c.1009G>A, p.Glu337Lys (NM_000267.4, NM_001128147.3); short protein forms E337K.
Identifiers: ClinVar variation 2819690 (VCV002819690.3), dbSNP rs747241884, ClinGen allele CA8485668.